The following is an entry in ClinVar:

ClinVar aggregate classification (germline): Uncertain significance. Review status: criteria provided, multiple submitters, no conflicts (2 of 4 stars). 2 submissions from 2 submitters: Uncertain significance (2). Last evaluated 2025-03-17.

Conditions:
Primary ciliary dyskinesia. Also called: Ciliary dyskinesia. Identifiers: Orphanet 244, MedGen C0008780, MONDO:0016575, HP:0012265.

Allele frequency attached by ClinVar (database versions not stated): gnomAD exomes 0.00001; ExAC 0.00004; ESP Exome Variant Server 0.00008; gnomAD 0.00017; TOPMed 0.00019.
gnomAD v4.1: 49 of 1,613,868 alleles (0.003%); highest among the groups gnomAD compares: African/African-American, 0.057%; no homozygotes.

Submissions (2):

Ambry Genetics
Classification: Uncertain significance. Last evaluated: 2025-03-17. Review status: criteria provided, single submitter. Criteria: Ambry Variant Classification Scheme 2023. Collection method: clinical testing. Allele origin: germline.

Labcorp Genetics (formerly Invitae), Labcorp
Classification: Uncertain significance for Primary ciliary dyskinesia. Last evaluated: 2022-05-14. Review status: criteria provided, single submitter. Criteria: Invitae Variant Classification Sherloc (09022015). Collection method: clinical testing. Allele origin: germline.
Comment: This sequence change replaces proline, which is neutral and non-polar, with leucine, which is neutral and non-polar, at codon 3614 of the DNAH8 protein (p.Pro3614Leu). This variant is present in population databases (rs368846740, gnomAD 0.05%). This variant has not been reported in the literature in individuals affected with DNAH8-related conditions. Algorithms developed to predict the effect of missense changes on protein structure and function are either unavailable or do not agree on the potential impact of this missense change (SIFT: "Deleterious"; PolyPhen-2: "Not Available"; Align-GVGD: "Class C65"). In summary, the available evidence is currently insufficient to determine the role of this variant in disease. Therefore, it has been classified as a Variant of Uncertain Significance.

NM_001206927.2(DNAH8):c.10841C>T (p.Pro3614Leu)

Genes: DNAH8 (dynein axonemal heavy chain 8; plus strand), DNAH8-AS1 (DNAH8 antisense RNA 1; minus strand). Cytogenetic location: 6p21.2.
Variant type: single nucleotide variant.
Coding change: c.10841C>T on transcript NM_001206927.2 (MANE Select); coding-DNA position 10841, C replaced by T.
Protein change: p.Pro3614Leu; replaces proline 3614 with leucine.
Molecular consequence: missense variant.
Genome position (GRCh38, 1-based): chr6:38,924,041, C>T. VCF-style: chr6-38924041-C-T. GRCh37 (hg19) VCF-style: chr6-38891817-C-T.
Other names: c.10190C>T, p.Pro3397Leu (NM_001371.4); c.10841C>T (NM_001206927.1); short protein forms P3614L, P3397L.
Identifiers: ClinVar variation 2142713 (VCV002142713.3), dbSNP rs368846740, ClinGen allele CA3790853.